The following is an entry in ClinVar:

ClinVar aggregate classification (germline): Uncertain significance. Review status: criteria provided, multiple submitters, no conflicts (2 of 4 stars). 2 submissions from 2 submitters: Uncertain significance (2). Last evaluated 2025-09-20.

Conditions:
Hereditary cancer-predisposing syndrome. Also called: Hereditary Cancer Syndrome; Neoplastic Syndromes, Hereditary; Hereditary neoplastic syndrome; Tumor predisposition. Identifiers: Orphanet 140162, MedGen C0027672, MeSH D009386, MONDO:0015356.
Hereditary nonpolyposis colorectal neoplasms. Identifiers: MedGen C0009405, MeSH D003123.

Allele frequency attached by ClinVar (database versions not stated): gnomAD exomes below 0.00001; gnomAD 0.00001; TOPMed 0.00001.
gnomAD v4.1: 3 of 1,612,008 alleles (0.00019%); highest among the groups gnomAD compares: Non-Finnish European, 0.00025%; no homozygotes.

Submissions (2):

Ambry Genetics
Classification: Uncertain significance for Hereditary cancer-predisposing syndrome. Last evaluated: 2025-09-20. Review status: criteria provided, single submitter. Criteria: Ambry Variant Classification Scheme 2023. Collection method: clinical testing. Allele origin: germline.
Comment: The p.A353T variant (also known as c.1057G>A), located in coding exon 10 of the PMS2 gene, results from a G to A substitution at nucleotide position 1057. The alanine at codon 353 is replaced by threonine, an amino acid with similar properties. This variant was not reported in population based cohorts in the following databases: Database of Single Nucleotide Polymorphisms (dbSNP), NHLBI Exome Sequencing Project (ESP), and 1000 Genomes Project. To date, this alteration has been detected with an allele frequency of approximately 0.002% (greater than 150000 alleles tested) in our clinical cohort. This amino acid position is highly conserved in available vertebrate species. In addition, this alteration is predicted to be probably damaging and tolerated by PolyPhen and SIFT in silico analyses, respectively. Since supporting evidence is limited at this time, the clinical significance of this alteration remains unclear.

Labcorp Genetics (formerly Invitae), Labcorp
Classification: Uncertain significance for Hereditary nonpolyposis colorectal neoplasms. Last evaluated: 2023-11-15. Review status: criteria provided, single submitter. Criteria: Invitae Variant Classification Sherloc (09022015). Collection method: clinical testing. Allele origin: germline.
Comment: This sequence change replaces alanine, which is neutral and non-polar, with threonine, which is neutral and polar, at codon 353 of the PMS2 protein (p.Ala353Thr). This variant is present in population databases (rs587782826, gnomAD 0.007%). This variant has not been reported in the literature in individuals affected with PMS2-related conditions. ClinVar contains an entry for this variant (Variation ID: 142927). Advanced modeling of protein sequence and biophysical properties (such as structural, functional, and spatial information, amino acid conservation, physicochemical variation, residue mobility, and thermodynamic stability) performed at Invitae indicates that this missense variant is expected to disrupt PMS2 protein function with a positive predictive value of 80%. In summary, the available evidence is currently insufficient to determine the role of this variant in disease. Therefore, it has been classified as a Variant of Uncertain Significance.

NM_000535.7(PMS2):c.1057G>A (p.Ala353Thr)

Gene: PMS2 (PMS1 homolog 2, mismatch repair system component; minus strand). Cytogenetic location: 7p22.1.
Variant type: single nucleotide variant.
Coding change: c.1057G>A on transcript NM_000535.7 (MANE Select); coding-DNA position 1057, G replaced by A.
Protein change: p.Ala353Thr; replaces alanine 353 with threonine.
Molecular consequence: missense variant. On other transcripts: non-coding transcript variant (1), intron variant (2).
Genome position (GRCh38, 1-based): chr7:5,989,887, C>T on the plus strand (G>A on the coding strand, the complement: PMS2 is on the minus strand). VCF-style: chr7-5989887-C-T. GRCh37 (hg19) VCF-style: chr7-6029518-C-T.
Other names: c.652G>A, p.Ala218Thr (NM_001322003.2, NM_001322004.2, NM_001322005.2 and 1 more transcripts); c.739G>A, p.Ala247Thr (NM_001322007.2, NM_001322008.2); c.124G>A, p.Ala42Thr (NM_001322011.2, NM_001322012.2); c.484G>A, p.Ala162Thr (NM_001322013.2); c.1057G>A, p.Ala353Thr (NM_001322014.2); c.748G>A, p.Ala250Thr (NM_001322015.2); c.583+2086G>A (NM_001322010.2); c.988+2086G>A (NM_001322006.2); short protein forms A353T, A247T, A218T, A162T, A42T, A250T.
Identifiers: ClinVar variation 142927 (VCV000142927.12), dbSNP rs587782826, ClinGen allele CA009139.